The following is an entry in ClinVar:

NM_172107.4(KCNQ2):c.611_619del (p.Gln204_Leu206del)

Gene: KCNQ2 (potassium voltage-gated channel subfamily Q member 2; minus strand). Cytogenetic location: 20q13.33.
Variant type: Deletion.
Coding change: c.611_619del on transcript NM_172107.4 (MANE Select); coding-DNA positions 611 to 619, 9 bases deleted (AGATTCTGC; older notation c.611_619delAGATTCTGC).
Protein change: p.Gln204_Leu206del.
Molecular consequence: inframe deletion.
Genome position (GRCh38, 1-based): chr20:63,444,730-63,444,738, GCAGAATCT deleted on the plus strand (AGATTCTGC on the coding strand, the reverse complement: KCNQ2 is on the minus strand); deleting any 9 consecutive bases within chr20:63,444,730-63,444,742 gives the same sequence; the c. name uses the placement nearest the transcript's 3' end. VCF-style (leftmost placement, unchanged base first): chr20-63444729-CGCAGAATCT-C. GRCh37 (hg19) VCF-style: chr20-62076082-CGCAGAATCT-C.
Other names: c.611_619del, p.Gln204_Leu206del (NM_001382235.1, NM_004518.6, NM_172106.3 and 2 more transcripts).
Identifiers: ClinVar variation 1751682 (VCV001751682.2), dbSNP rs2516503158, ClinGen allele CA2580098393.
Genomic context (GRCh38, chr20:63,444,729, plus strand): 5'-GCATAGACCACAGAGCCCAGCAGCTTCCAGGTGCCTCCCCGCCGGTCCATGCGGATCATC[CGCAGAATCT>C]GCAGGAAGCGCAGGCTCCGGAGCGCAGATGTGGCAAAGACGTTGCCCTGGGAGCCGGCGG-3'

ClinVar aggregate classification (germline): Uncertain significance (1 of 4 stars; one submission).

Conditions:
Inborn genetic diseases. Identifiers: MedGen C0950123, MeSH D030342.

Submission:

Ambry Genetics
Classification: Uncertain significance for Inborn genetic diseases. Last evaluated: 2017-06-29. Review status: criteria provided, single submitter. Criteria: Ambry Variant Classification Scheme 2023. Collection method: clinical testing. Allele origin: germline.
Comment: The c.611_619delAGATTCTGC variant (also known as p.Q204_L206del) is located in coding exon 4 of the KCNQ2 gene. This variant results from an in-frame AGATTCTGC deletion at nucleotide positions 611 to 619. This results in the in-frame deletion of 3 residues (QIL) between codons 204 and 206. This nucleotide position is not well conserved in available vertebrate species. Since supporting evidence is limited at this time, the clinical significance of this alteration remains unclear.